The following is an entry in ClinVar:

ClinVar aggregate classification (germline): Likely benign (1 of 4 stars; one submission).

Allele frequency attached by ClinVar (database versions not stated): gnomAD 0.00006; TOPMed 0.00010.
gnomAD v4.1: 32 of 456,184 alleles (0.007%); highest among the groups gnomAD compares: African/African-American, 0.028%; no homozygotes.

Submission:

GeneDx
Classification: Likely benign. Last evaluated: 2017-01-31. Review status: criteria provided, single submitter. Criteria: GeneDx Variant Classification (06012015). Collection method: clinical testing. Allele origin: germline. Affected: yes.
Comment: This variant is considered likely benign or benign based on one or more of the following criteria: it is a conservative change, it occurs at a poorly conserved position in the protein, it is predicted to be benign by multiple in silico algorithms, and/or has population frequency not consistent with disease.

NM_001276345.2(TNNT2):c.-15+6G>T

Gene: TNNT2 (troponin T2, cardiac type; minus strand). Cytogenetic location: 1q32.1.
Variant type: single nucleotide variant.
Coding change: c.-15+6G>T on transcript NM_001276345.2 (MANE Select); 6 bases into the intron after 15 bases upstream of the start codon, G replaced by T.
Molecular consequence: intron variant.
Genome position (GRCh38, 1-based): chr1:201,377,617, C>A on the plus strand (G>T on the coding strand, the complement: TNNT2 is on the minus strand). VCF-style: chr1-201377617-C-A. GRCh37 (hg19) VCF-style: chr1-201346745-C-A.
Other names: c.-15+6G>T (NM_001001432.3, NM_001001431.3, NM_001001430.3 and 2 more transcripts); c.-148+6G>T (NM_001276347.2).
Identifiers: ClinVar variation 507076 (VCV000507076.1), dbSNP rs778890563, ClinGen allele CA35437955.
Genomic context (GRCh38, chr1:201,377,617, plus strand): 5'-AAGACCCTCACATCTCCCCGTCCATTCTCTGCTCTCCTCTTCCCCAGAGCCCTGCCCGAG[C>A]CTTACCTCAGAACAGCAGCTGCCGACAGATCCTGGAGGCGTCTGCTCAGTCTCAGCGGGG-3'